The following is an entry in ClinVar:

ClinVar aggregate classification (germline): Uncertain significance. Review status: criteria provided, multiple submitters, no conflicts (2 of 4 stars). 2 submissions from 2 submitters: Uncertain significance (2). Last evaluated 2026-09-01.

Conditions:
Severe early-onset pulmonary alveolar proteinosis due to MARS deficiency. Also called: PULMONARY ALVEOLAR PROTEINOSIS, REUNION ISLAND; Interstitial lung and liver disease. Identifiers: Orphanet 440427, MedGen C4225400, MONDO:0014206, OMIM 615486.
Charcot-Marie-Tooth disease axonal type 2U. Also called: CHARCOT-MARIE-TOOTH NEUROPATHY, TYPE 2U; CHARCOT-MARIE-TOOTH DISEASE, AXONAL, AUTOSOMAL DOMINANT, TYPE 2U. Identifiers: Orphanet 397735, MedGen C4084821, MONDO:0014566, OMIM 616280.

Allele frequency attached by ClinVar (database versions not stated): TOPMed 0.00001.
gnomAD v4.1: 7 of 1,613,266 alleles (0.00043%); highest among the groups gnomAD compares: Non-Finnish European, 0.00059%; no homozygotes.

Submissions (2):

CeGaT Center for Human Genetics Tuebingen
Classification: Uncertain significance. Last evaluated: 2026-09-01. Review status: criteria provided, single submitter. Criteria: CeGaT Center For Human Genetics Tuebingen Variant Classification Criteria Version 2. Collection method: clinical testing. Allele origin: germline. Affected: yes. Observed: 1 variant allele.
Comment: MARS1: PM2, BP4

Labcorp Genetics (formerly Invitae), Labcorp
Classification: Uncertain significance for Charcot-Marie-Tooth disease axonal type 2U; Severe early-onset pulmonary alveolar proteinosis due to MARS deficiency. Last evaluated: 2025-08-11. Review status: criteria provided, single submitter. Criteria: Invitae Variant Classification Sherloc (09022015). Collection method: clinical testing. Allele origin: germline.
Comment: This sequence change falls in intron 4 of the MARS gene. It does not directly change the encoded amino acid sequence of the MARS protein. This variant is present in population databases (rs747351446, gnomAD 0.0009%). This variant has not been reported in the literature in individuals affected with MARS-related conditions. ClinVar contains an entry for this variant (Variation ID: 948750). Algorithms developed to predict the effect of sequence changes on RNA splicing suggest that this variant may disrupt the consensus splice site. In summary, the available evidence is currently insufficient to determine the role of this variant in disease. Therefore, it has been classified as a Variant of Uncertain Significance.

NM_004990.4(MARS1):c.415-5C>G

Gene: MARS1 (methionyl-tRNA synthetase 1; plus strand). Cytogenetic location: 12q13.3.
Variant type: single nucleotide variant.
Coding change: c.415-5C>G on transcript NM_004990.4 (MANE Select); 5 bases into the intron before coding-DNA position 415, C replaced by G.
Molecular consequence: intron variant.
Genome position (GRCh38, 1-based): chr12:57,489,891, C>G. VCF-style: chr12-57489891-C-G. GRCh37 (hg19) VCF-style: chr12-57883674-C-G.
Identifiers: ClinVar variation 948750 (VCV000948750.10), dbSNP rs747351446, ClinGen allele CA6650174.